The following is an entry in ClinVar:

ClinVar aggregate classification (germline): Benign. Review status: criteria provided, single submitter (1 of 4 stars). 3 submissions from 1 submitter: Benign (3). Last evaluated 2018-01-13.

Conditions:
Myhre syndrome (MYHRS). Also called: LARYNGOTRACHEAL STENOSIS, ARTHROPATHY, PROGNATHISM, AND SHORT STATURE; LAPS SYNDROME. Identifiers: Orphanet 2588, MedGen C0796081, MONDO:0007688, OMIM 139210.
Juvenile polyposis/hereditary hemorrhagic telangiectasia syndrome (JPHT). Also called: JP/HHT SYNDROME; JUVENILE POLYPOSIS WITH HEREDITARY HEMORRHAGIC TELANGIECTASIA; POLYPOSIS, GENERALIZED JUVENILE, WITH PULMONARY ARTERIOVENOUS MALFORMATION; TELANGIECTASIA, HEREDITARY HEMORRHAGIC, WITH JUVENILE POLYPOSIS COLI; Juvenile Polyposis Syndrome / Hereditary Hemorrhagic Telangiectasia (JPS/HHT). Identifiers: Orphanet 2929, MedGen C1832942, MONDO:0008278, OMIM 175050.
Generalized juvenile polyposis/juvenile polyposis coli. Also called: Juvenile polyposis coli. Identifiers: Orphanet 329971, MedGen C1868081, MONDO:0008276.

Allele frequency attached by ClinVar (database versions not stated): gnomAD 0.00277 and 0.00338; TOPMed 0.00505; gnomAD exomes 0.00614; 1000 Genomes Project 30x 0.01077; 1000 Genomes Project 0.01198.
gnomAD v4.1: 992 of 231,612 alleles (0.43%); highest among the groups gnomAD compares: East Asian, 3.7%; 16 homozygotes.

Submissions (3):

Illumina Laboratory Services, Illumina
Classification: Benign for Juvenile polyposis syndrome. Last evaluated: 2018-01-13. Review status: criteria provided, single submitter. Criteria: ICSL Variant Classification Criteria 13 December 2019. Collection method: clinical testing. Allele origin: germline.
Comment: This variant was observed in the ICSL laboratory as part of a predisposition screen in an ostensibly healthy population. It had not been previously curated by ICSL or reported in the Human Gene Mutation Database (HGMD: prior to June 1st, 2018), and was therefore a candidate for classification through an automated scoring system. Utilizing variant allele frequency, disease prevalence and penetrance estimates, and inheritance mode, an automated score was calculated to assess if this variant is too frequent to cause the disease. Based on the score and internal cut-off values, a variant classified as benign is not then subjected to further curation. The score for this variant resulted in a classification of benign for this disease.

Illumina Laboratory Services, Illumina
Classification: Benign for Juvenile polyposis/hereditary hemorrhagic telangiectasia syndrome. Last evaluated: 2018-01-13. Review status: criteria provided, single submitter. Criteria: ICSL Variant Classification Criteria 13 December 2019. Collection method: clinical testing. Allele origin: germline.
Comment: the same text as in the submission from Illumina Laboratory Services, Illumina above.

Illumina Laboratory Services, Illumina
Classification: Benign for Myhre syndrome. Last evaluated: 2018-01-13. Review status: criteria provided, single submitter. Criteria: ICSL Variant Classification Criteria 13 December 2019. Collection method: clinical testing. Allele origin: germline.
Comment: the same text as in the submission from Illumina Laboratory Services, Illumina above.

NM_005359.6(SMAD4):c.*5419T>C

Gene: SMAD4 (SMAD family member 4; plus strand). Cytogenetic location: 18q21.2.
Variant type: single nucleotide variant.
Coding change: c.*5419T>C on transcript NM_005359.6 (MANE Select); 5419 bases downstream of the stop codon, T replaced by C.
Molecular consequence: 3 prime UTR variant.
Genome position (GRCh38, 1-based): chr18:51,083,886, T>C. VCF-style: chr18-51083886-T-C. GRCh37 (hg19) VCF-style: chr18-48610256-T-C.
Identifiers: ClinVar variation 327179 (VCV000327179.5), dbSNP rs146551171, ClinGen allele CA10651787.